The following is an entry in ClinVar:

ClinVar aggregate classification (germline): Uncertain significance (1 of 4 stars; one submission).

gnomAD v4.1: 2 of 1,612,876 alleles (0.00012%); highest among the groups gnomAD compares: Non-Finnish European, 0.00017%; no homozygotes.

Submission:

Labcorp Genetics (formerly Invitae), Labcorp
Classification: Uncertain significance. Last evaluated: 2022-04-11. Review status: criteria provided, single submitter. Criteria: Invitae Variant Classification Sherloc (09022015). Collection method: clinical testing. Allele origin: germline.
Comment: Algorithms developed to predict the effect of missense changes on protein structure and function are either unavailable or do not agree on the potential impact of this missense change (SIFT: "Tolerated"; PolyPhen-2: "Possibly Damaging"; Align-GVGD: "Class C0"). This variant has not been reported in the literature in individuals affected with SAMD11-related conditions. This variant is not present in population databases (gnomAD no frequency). This sequence change replaces threonine, which is neutral and polar, with arginine, which is basic and polar, at codon 643 of the SAMD11 protein (p.Thr643Arg). In summary, the available evidence is currently insufficient to determine the role of this variant in disease. Therefore, it has been classified as a Variant of Uncertain Significance.

NM_001385641.1(SAMD11):c.2417C>G (p.Thr806Arg)

Gene: SAMD11 (sterile alpha motif domain containing 11; plus strand). Cytogenetic location: 1p36.33.
Variant type: single nucleotide variant.
Coding change: c.2417C>G on transcript NM_001385641.1 (MANE Select); coding-DNA position 2417, C replaced by G.
Protein change: p.Thr806Arg; replaces threonine 806 with arginine.
Molecular consequence: missense variant.
Genome position (GRCh38, 1-based): chr1:944,035, C>G. VCF-style: chr1-944035-C-G. GRCh37 (hg19) VCF-style: chr1-879415-C-G.
Other names: c.2420C>G, p.Thr807Arg (NM_001385640.1); c.1928C>G, p.Thr643Arg (NM_152486.4); short protein forms T807R, T643R, T806R.
Identifiers: ClinVar variation 2124719 (VCV002124719.4), dbSNP rs372483503, ClinGen allele CA337818917.